The following is an entry in ClinVar:

ClinVar aggregate classification (germline): Uncertain significance (1 of 4 stars; one submission).

Allele frequency attached by ClinVar (database versions not stated): gnomAD 0.00001.
gnomAD v4.1: 1 of 1,613,998 alleles (0.000062%); highest among the groups gnomAD compares: Admixed American, 0.0017%; no homozygotes.

Submission:

Labcorp Genetics (formerly Invitae), Labcorp
Classification: Uncertain significance. Last evaluated: 2023-08-04. Review status: criteria provided, single submitter. Criteria: Invitae Variant Classification Sherloc (09022015). Collection method: clinical testing. Allele origin: germline.
Comment: An algorithm developed to predict the effect of missense changes on protein structure and function (PolyPhen-2) suggests that this variant is likely to be disruptive. This sequence change replaces tyrosine, which is neutral and polar, with histidine, which is basic and polar, at codon 431 of the SLC7A14 protein (p.Tyr431His). This variant is not present in population databases (gnomAD no frequency). This variant has not been reported in the literature in individuals affected with SLC7A14-related conditions. ClinVar contains an entry for this variant (Variation ID: 1062500). In summary, the available evidence is currently insufficient to determine the role of this variant in disease. Therefore, it has been classified as a Variant of Uncertain Significance.

NM_020949.3(SLC7A14):c.1291T>C (p.Tyr431His)

Genes: SLC7A14 (solute carrier family 7 member 14; minus strand), SLC7A14-AS1 (SLC7A14 antisense RNA 1; plus strand). Cytogenetic location: 3q26.2.
Variant type: single nucleotide variant.
Coding change: c.1291T>C on transcript NM_020949.3 (MANE Select); coding-DNA position 1291, T replaced by C.
Protein change: p.Tyr431His; replaces tyrosine 431 with histidine.
Molecular consequence: missense variant.
Genome position (GRCh38, 1-based): chr3:170,480,991, A>G on the plus strand (T>C on the coding strand, the complement: SLC7A14 is on the minus strand). VCF-style: chr3-170480991-A-G. GRCh37 (hg19) VCF-style: chr3-170198780-A-G.
Other names: short protein forms Y431H.
Identifiers: ClinVar variation 1062500 (VCV001062500.9), dbSNP rs1711795939, ClinGen allele CA355490843.
Genomic context (GRCh38, chr3:170,480,991, plus strand): 5'-TCTTGGTGTGCTCCTCAGACAAGAACTTGACAAAACCATCAATGTCACTCTCAGGTTGGT[A>G]TCGAAGGAGCAAGACACAGACAGAGACCAAGGTGTAGGCCAGGAGCGTGCCGATAGACAT-3'
Protein context (NP_066000.2, residues 421-441): LVSVCVLLLR[Tyr431His]QPESDIDGFV